The following is an entry in ClinVar:

NM_057093.2(CRYBA2):c.27G>C (p.Pro9=)

Gene: CRYBA2 (crystallin beta A2; minus strand). Cytogenetic location: 2q35.
Variant type: single nucleotide variant.
Coding change: c.27G>C on transcript NM_057093.2 (MANE Select); coding-DNA position 27, G replaced by C.
Protein change: p.Pro9=; no amino-acid change (proline 9 retained).
Molecular consequence: synonymous variant.
Genome position (GRCh38, 1-based): chr2:218,993,150, C>G on the plus strand (G>C on the coding strand, the complement: CRYBA2 is on the minus strand). VCF-style: chr2-218993150-C-G. GRCh37 (hg19) VCF-style: chr2-219857872-C-G.
Other names: c.27G>C, p.Pro9= (NM_057094.2).
Identifiers: ClinVar variation 4981278 (VCV004981278.1).

ClinVar aggregate classification (germline): Likely benign (1 of 4 stars; one submission).

Conditions:
CRYBA2-related disorder. Also called: CRYBA2-related condition.

Submission:

PreventionGenetics, part of Exact Sciences
Classification: Likely benign for CRYBA2-related condition. Last evaluated: 2025-06-30. Review status: criteria provided, single submitter. Criteria: ACMG Guidelines, 2015. Collection method: clinical testing. Allele origin: germline.
Comment: This variant is classified as likely benign based on ACMG/AMP sequence variant interpretation guidelines (Richards et al. 2015 PMID: 25741868, with internal and published modifications).